The following is an entry in ClinVar:

NM_007254.4(PNKP):c.968C>T (p.Thr323Met)

Gene: PNKP (polynucleotide kinase 3'-phosphatase; minus strand). Cytogenetic location: 19q13.33.
Variant type: single nucleotide variant.
Coding change: c.968C>T on transcript NM_007254.4 (MANE Select); coding-DNA position 968, C replaced by T.
Protein change: p.Thr323Met; replaces threonine 323 with methionine.
Molecular consequence: missense variant.
Genome position (GRCh38, 1-based): chr19:49,862,432, G>A on the plus strand (C>T on the coding strand, the complement: PNKP is on the minus strand). VCF-style: chr19-49862432-G-A. GRCh37 (hg19) VCF-style: chr19-50365689-G-A.
Other names: p.T323M:ACG>ATG; short protein forms T323M.
Identifiers: ClinVar variation 159803 (VCV000159803.30), dbSNP rs372148913, ClinGen allele CA251167.

ClinVar aggregate classification (germline): Conflicting classifications of pathogenicity. Review status: criteria provided, conflicting classifications (1 of 4 stars). 9 submissions from 9 submitters: Pathogenic (2); Likely pathogenic (4); Uncertain significance (2). 1 of the submissions does not count toward it. Last evaluated 2025-03-31.

Conditions:
PNKP-related disorder. Also called: PNKP-related condition; PNKP-related disorders.
Inborn genetic diseases. Identifiers: MedGen C0950123, MeSH D030342.
Ataxia - oculomotor apraxia type 4. Identifiers: Orphanet 459033, MedGen C4225397, MONDO:0014557, OMIM 616267.
Developmental and epileptic encephalopathy, 12 (DEE12). Identifiers: MedGen C3150988, MONDO:0013389, OMIM 613722.
Microcephaly, seizures, and developmental delay. Identifiers: Orphanet 1934, MedGen C3150667, MONDO:0013254, OMIM 613402.

Allele frequency attached by ClinVar (database versions not stated): gnomAD exomes 0.00005; TOPMed 0.00005; ESP Exome Variant Server 0.00008; ExAC 0.00018.

Submissions (9):

Labcorp Genetics (formerly Invitae), Labcorp
Classification: Pathogenic for Developmental and epileptic encephalopathy, 12. Last evaluated: 2025-03-31. Review status: criteria provided, single submitter. Criteria: Invitae Variant Classification Sherloc (09022015). Collection method: clinical testing. Allele origin: germline.
Comment: This sequence change replaces threonine, which is neutral and polar, with methionine, which is neutral and non-polar, at codon 323 of the PNKP protein (p.Thr323Met). The frequency data for this variant in the population databases is considered unreliable, as metrics indicate poor data quality at this position in the gnomAD database. This missense change has been observed in individual(s) with clinical features of PNKP-related conditions (PMID: 29655203, 32980744, 34040816, 35354845; internal data). In at least one individual the data is consistent with being in trans (on the opposite chromosome) from a pathogenic variant. ClinVar contains an entry for this variant (Variation ID: 159803). Invitae Evidence Modeling of protein sequence and biophysical properties (such as structural, functional, and spatial information, amino acid conservation, physicochemical variation, residue mobility, and thermodynamic stability) indicates that this missense variant is expected to disrupt PNKP protein function with a positive predictive value of 80%. Experimental studies have shown that this missense change affects PNKP function (PMID: 35354845). For these reasons, this variant has been classified as Pathogenic.

GeneDx
Classification: Pathogenic. Last evaluated: 2025-01-23. Review status: criteria provided, single submitter. Criteria: GeneDx Variant Classification Process June 2021. Collection method: clinical testing. Allele origin: germline. Affected: yes.
Comment: Observed multiple times with a second PNKP variant in unrelated patients with features of a PNKP-related disorder referred for genetic testing at GeneDx and in published literature, but it is not known whether the variants occurred on the same (in cis) or on different (in trans) chromosomes in some cases (PMID: 35354845, 37916443, 32980744); Published functional studies demonstrate a damaging effect and show that this variant causes a significant loss of both 5'-kinase and 3'-phosphatase activity, increases radiation sensitivity, and impairs double strand DNA repair in vitro (PMID: 35354845); Not observed at significant frequency in large population cohorts (gnomAD); In silico analysis supports that this missense variant has a deleterious effect on protein structure/function; This variant is associated with the following publications: (PMID: 22508754, 35354845, 37916443, 29655203, 34697416, 34040816, 32980744)

Ambry Genetics
Classification: Likely pathogenic for Inborn genetic diseases. Last evaluated: 2024-10-03. Review status: criteria provided, single submitter. Criteria: Ambry Variant Classification Scheme 2023. Collection method: clinical testing. Allele origin: germline.
Comment: The p.T323M variant (also known as c.968C>T), located in coding exon 10 of the PNKP gene, results from a C to T substitution at nucleotide position 968. The threonine at codon 323 is replaced by methionine, an amino acid with similar properties. This variant has been identified homozygous and in conjunction with other PNKP variants in individuals with seizures, microcephaly, global developmental delay, dyskinesia, abnormal MRI, lissencephaly, and/or polymicrogyria, and other clinical features consistent with PNKP-related neurodevelopmental disorder; in at least one instance, the variants were identified in trans (Lindy AS et al. Epilepsia, 2018 May;59:1062-1071; Garrelfs MR et al. Pediatr Neurol, 2020 Dec;113:26-3; Marcilla V&aacute;zquez C et al. J Pediatr Genet, 2021 Jun;10:164-172; Jiang B et al. Sci Rep, 2022 Mar;12:5386; Thuresson AC et al. Mol Genet Genomic Med, 2024 Jan;12:e2295; External communication, 2024). In multiple assays testing PNKP function, this variant showed functionally abnormal results (Jiang B et al. Sci Rep, 2022 Mar;12:5386). This amino acid position is highly conserved in available vertebrate species. In addition, the in silico prediction for this alteration is inconclusive. Based on the majority of available evidence to date, this variant is likely to be pathogenic.

Blueprint Genetics
Classification: Likely pathogenic for PNKP-related disorders. Last evaluated: 2023-07-07. Review status: criteria provided, single submitter. Criteria: ACMG Guidelines, 2015. Collection method: clinical testing. Allele origin: germline. Affected: yes. Observed: 5 variant alleles.

Revvity Omics, Revvity
Classification: Uncertain significance. Last evaluated: 2021-03-25. Review status: criteria provided, single submitter. Criteria: ACMG Guidelines, 2015. Collection method: clinical testing. Allele origin: germline.

Eurofins Ntd Llc (ga)
Classification: Uncertain significance. Last evaluated: 2015-02-17. Review status: criteria provided, single submitter. Criteria: EGL Classification Definitions 2015. Collection method: clinical testing. Allele origin: germline. Observed: 2 variant alleles, 2 heterozygotes.

Genetic Services Laboratory, University of Chicago
Classification: Likely pathogenic for Epileptic encephalopathy, early infantile, 10. Last evaluated: 2013-08-05. Review status: criteria provided, single submitter. Criteria: ACMG Guidelines, 2007. Collection method: clinical testing. Allele origin: germline. Inheritance: Autosomal recessive inheritance. Affected: yes.

Hadassah Hebrew University Medical Center
Classification: Likely pathogenic for Ataxia - oculomotor apraxia type 4. Review status: criteria provided, single submitter. Criteria: ACMG Guidelines, 2015. Collection method: clinical testing. Allele origin: germline. Inheritance: Autosomal recessive inheritance. Affected: yes.

PreventionGenetics, part of Exact Sciences
Classification: Uncertain significance for PNKP-related condition. Last evaluated: 2024-02-03. Review status: no assertion criteria provided. Collection method: clinical testing. Allele origin: germline. Not counted in ClinVar's aggregate classification.
Comment: The PNKP c.968C>T variant is predicted to result in the amino acid substitution p.Thr323Met. This variant has been reported in the homozygous state, in combination with an additional variant (phase not provided), or with no zygosity provided, in individuals with microcephaly, seizures, and developmental delay (Marcilla Vázquez C et al 2020. PubMed ID: 34040816; Jiang B et al 2022. PubMed ID: 35354845; Lindy et al 2018. PubMed ID: 29655203 Supplemental Table 4; Garrelfs et al. 2020. PubMed ID: 32980744). In vitro studies using an overexpression system suggested that this variant may reduce protein function by multiple mechanisms (Jiang B et al 2022. PubMed ID: 35354845). This variant is reported in 0.0092% of alleles in individuals of European (Non-Finnish) descent in gnomAD. Although we suspect that this variant may be pathogenic, at this time, the clinical significance of this variant is uncertain due to the absence of conclusive functional and genetic evidence.

Literature cited by the submitters: PubMed 29655203 (cited by Labcorp Genetics (formerly Invitae), Labcorp and Ambry Genetics); PubMed 32980744 (cited by Labcorp Genetics (formerly Invitae), Labcorp and Ambry Genetics); PubMed 34040816 (cited by Labcorp Genetics (formerly Invitae), Labcorp and Ambry Genetics); PubMed 35354845 (cited by Labcorp Genetics (formerly Invitae), Labcorp and Ambry Genetics); PubMed 37916443 (cited by Ambry Genetics).